The following is an entry in ClinVar:

ClinVar aggregate classification (germline): Uncertain significance (0 of 4 stars; one submission).

Conditions:
Fanconi anemia complementation group G. Also called: FANCG-Related Fanconi Anemia; Fanconi anemia group G. Identifiers: Orphanet 84, MedGen C3469527, MONDO:0013565, OMIM 614082.

Submission:

Leiden Open Variation Database
Classification: Uncertain significance for Fanconi anemia complementation group G. Last evaluated: 2020-02-28. Review status: no assertion criteria provided. Collection method: curation. Allele origin: germline. Affected: yes.
Comment: Curator: Arleen D. Auerbach. Submitter to LOVD: Arleen D. Auerbach.

Literature cited by the submitters: PubMed 24300640.

NM_004629.2(FANCG):c.247del (p.Ser83fs)

Gene: FANCG (FA complementation group G; minus strand). Cytogenetic location: 9p13.3.
Variant type: Deletion.
Coding change: c.247del on transcript NM_004629.2 (MANE Select); coding-DNA position 247, one base deleted (A; older notation c.247delA).
Protein change: p.Ser83fs; shifts the reading frame from serine 83.
Molecular consequence: frameshift variant.
Genome position (GRCh38, 1-based): chr9:35,078,665, T deleted on the plus strand (A on the coding strand, the reverse complement: FANCG is on the minus strand); the first of 2 consecutive T bases (chr9:35,078,665-35,078,666); deleting either gives the same sequence. VCF-style (leftmost placement, unchanged base first): chr9-35078664-CT-C. GRCh37 (hg19) VCF-style: chr9-35078661-CT-C.
Other names: short protein forms S83fs.
Identifiers: ClinVar variation 929678 (VCV000929678.1), dbSNP rs1829129667, ClinGen allele CA1139660973.
Genomic context (GRCh38, chr9:35,078,664, plus strand): 5'-CCTCTCTCTAGGCTCCGCTGGATATCCTGGGCCTGATCCTCTGTGAAACCCTGGGCCAAG[CT>C]TGCCCTCAGGATAATGAAGTTGCAGGTGACAGTCAGCTCCAAGGGAAGAACAGGAACAGC-3'